The following is an entry in ClinVar:

ClinVar aggregate classification (germline): Uncertain significance. Review status: criteria provided, multiple submitters, no conflicts (2 of 4 stars). 2 submissions from 2 submitters: Uncertain significance (2). Last evaluated 2025-02-16.

Conditions:
Primary ciliary dyskinesia. Also called: Ciliary dyskinesia. Identifiers: Orphanet 244, MedGen C0008780, MONDO:0016575, HP:0012265.

Submissions (2):

Laboratory of Genetics, Children's Clinical University Hospital Latvia
Classification: Uncertain significance. Last evaluated: 2025-02-16. Review status: criteria provided, single submitter. Criteria: ACMG Guidelines, 2015. Collection method: clinical testing. Allele origin: germline. Affected: yes.

Labcorp Genetics (formerly Invitae), Labcorp
Classification: Uncertain significance for Primary ciliary dyskinesia. Last evaluated: 2024-06-03. Review status: criteria provided, single submitter. Criteria: Invitae Variant Classification Sherloc (09022015). Collection method: clinical testing. Allele origin: germline.
Comment: This sequence change replaces alanine, which is neutral and non-polar, with threonine, which is neutral and polar, at codon 355 of the RPGR protein (p.Ala355Thr). This variant is not present in population databases (gnomAD no frequency). This variant has not been reported in the literature in individuals affected with RPGR-related conditions. Advanced modeling of protein sequence and biophysical properties (such as structural, functional, and spatial information, amino acid conservation, physicochemical variation, residue mobility, and thermodynamic stability) performed at Invitae indicates that this missense variant is not expected to disrupt RPGR protein function with a negative predictive value of 95%. In summary, the available evidence is currently insufficient to determine the role of this variant in disease. Therefore, it has been classified as a Variant of Uncertain Significance.

NM_001034853.2(RPGR):c.1063G>A (p.Ala355Thr)

Gene: RPGR (retinitis pigmentosa GTPase regulator; minus strand). Cytogenetic location: Xp11.4.
Variant type: single nucleotide variant.
Coding change: c.1063G>A on transcript NM_001034853.2 (MANE Select); coding-DNA position 1063, G replaced by A.
Protein change: p.Ala355Thr; replaces alanine 355 with threonine.
Molecular consequence: missense variant. On other transcripts: non-coding transcript variant (6), intron variant (2).
Genome position (GRCh38, 1-based): chrX:38,299,138, C>T on the plus strand (G>A on the coding strand, the complement: RPGR is on the minus strand). VCF-style: chrX-38299138-C-T. GRCh37 (hg19) VCF-style: chrX-38158391-C-T.
Other names: c.1060G>A, p.Ala354Thr (NM_001367245.1, NM_001367249.1, NM_001367250.1); c.1063G>A, p.Ala355Thr (NM_001367247.1, NM_000328.3); c.1093G>A, p.Ala365Thr (NM_001367248.1); c.1060-1686G>A (NM_001367251.1, NM_001367246.1); short protein forms A365T, A354T, A355T.
Identifiers: ClinVar variation 3681532 (VCV003681532.3).
Genomic context (GRCh38, chrX:38,299,138, plus strand): 5'-TTTCTTTTGCCACACCACGATGAGGAGCAGCAAAAACTACCATGTGACATCCACCACAAG[C>T]AACCTGCAGCATAAATCCACAGAAAAACTCATCAACATTGGCTTCAAACACAAATGAGTT-3'
Protein context (NP_001030025.1, residues 345-365): NFLRFIVKLV[Ala355Thr]CGGCHMVVFA